The following is an entry in ClinVar:

NM_017780.4(CHD7):c.1488dup (p.Pro497fs)

Gene: CHD7 (chromodomain helicase DNA binding protein 7; plus strand). Cytogenetic location: 8q12.2.
Variant type: Duplication.
Coding change: c.1488dup on transcript NM_017780.4 (MANE Select); coding-DNA position 1488, one base duplicated (A; older notation c.1488dupA).
Protein change: p.Pro497fs; shifts the reading frame from proline 497.
Molecular consequence: frameshift variant.
Genome position (GRCh38, 1-based): chr8:60,742,920, A duplicated. VCF-style (leftmost placement, unchanged base first): chr8-60742919-T-TA. GRCh37 (hg19) VCF-style: chr8-61655478-T-TA.
Other names: c.1488dup, p.Pro497fs (NM_001316690.1); short protein forms P497fs.
Identifiers: ClinVar variation 188297 (VCV000188297.1), dbSNP rs786204200, ClinGen allele CA334553.

ClinVar aggregate classification (germline): Pathogenic (1 of 4 stars; one submission).

Conditions:
CHARGE syndrome (CHARGE). Also called: CHARGE ASSOCIATION--COLOBOMA, HEART ANOMALY, CHOANAL ATRESIA, RETARDATION, GENITAL AND EAR ANOMALIES; Hittner Hirsch Kreh syndrome; Coloboma, heart anomaly, choanal atresia, retardation, genital and ear anomalies; CHARGE association; Hall-Hittner syndrome. Identifiers: Orphanet 138, MedGen C0265354, MONDO:0008965.

Submission:

Labcorp Genetics (formerly Invitae), Labcorp
Classification: Pathogenic for CHARGE association. Last evaluated: 2014-12-05. Review status: criteria provided, single submitter. Criteria: Invitae Variant Classification Sherloc (09022015). Collection method: clinical testing. Allele origin: germline.
Comment: This sequence change creates a premature translational stop signal at codon 574 (p.Pro497Thrfs*78). It is expected to result in an absent or disrupted protein product. Truncating sequence changes in CHD7 are known to be pathogenic. This particular truncation has been reported in the literature in a patient referred for CHARGE syndrome testing (PMID: 21158681). For these reasons, this sequence change has been classified as Pathogenic.